The following is an entry in ClinVar:

ClinVar aggregate classification (germline): Uncertain significance. Review status: criteria provided, single submitter (1 of 4 stars). 2 submissions from 2 submitters: Uncertain significance (1). 1 of the submissions does not count toward it. Last evaluated 2019-02-05.

Conditions:
Tuberous sclerosis syndrome (TSC). Also called: Tuberous Sclerosis Complex; Tuberous sclerosis. Identifiers: Orphanet 805, MedGen C0041341, MONDO:0001734.
Tuberous sclerosis 2 (TSC2). Identifiers: Orphanet 805, MedGen C1860707, MONDO:0013199, OMIM 613254.

Submissions (2):

Labcorp Genetics (formerly Invitae), Labcorp
Classification: Uncertain significance for Tuberous sclerosis 2. Last evaluated: 2019-02-05. Review status: criteria provided, single submitter. Criteria: Invitae Variant Classification Sherloc (09022015). Collection method: clinical testing. Allele origin: germline.
Comment: In summary, the available evidence is currently insufficient to determine the role of this variant in disease. Therefore, it has been classified as a Variant of Uncertain Significance. This variant has been reported to affect TSC2 protein function (PMID:18854862, 21309039). This variant has been reported in individuals in the Leiden Open-source Variation Database (PMID: 21520333). ClinVar contains an entry for this variant (Variation ID: 65119). This variant is not present in population databases (ExAC no frequency). This sequence change replaces valine with glycine at codon 1199 of the TSC2 protein (p.Val1199Gly). The valine residue is moderately conserved and there is a moderate physicochemical difference between valine and glycine.

Tuberous sclerosis database (TSC2)
No classification provided. Condition: TSC. Review status: no classification provided. Criteria: Tuberous Sclerosis Database Assertion Criteria 2015. Collection method: curation. Allele origin: germline. Affected: yes. Not counted in ClinVar's aggregate classification.

Literature cited by the submitters: PubMed 18854862 (cited by Labcorp Genetics (formerly Invitae), Labcorp); PubMed 21309039 (cited by Labcorp Genetics (formerly Invitae), Labcorp); PubMed 21520333 (cited by Labcorp Genetics (formerly Invitae), Labcorp).

NM_000548.5(TSC2):c.3596T>G (p.Val1199Gly)

Gene: TSC2 (TSC complex subunit 2; plus strand). Cytogenetic location: 16p13.3.
Variant type: single nucleotide variant.
Coding change: c.3596T>G on transcript NM_000548.5 (MANE Select); coding-DNA position 3596, T replaced by G.
Protein change: p.Val1199Gly; replaces valine 1199 with glycine.
Molecular consequence: missense variant.
Genome position (GRCh38, 1-based): chr16:2,080,363, T>G. VCF-style: chr16-2080363-T-G. GRCh37 (hg19) VCF-style: chr16-2130364-T-G.
Other names: c.3464T>G, p.Val1155Gly (NM_001077183.3, NM_001370404.1); c.3596T>G, p.Val1199Gly (NM_001114382.3); c.3356T>G, p.Val1119Gly (NM_001318827.2); c.3320T>G, p.Val1107Gly (NM_001318829.2); c.2864T>G, p.Val955Gly (NM_001318831.2); c.3497T>G, p.Val1166Gly (NM_001318832.2); c.3467T>G, p.Val1156Gly (NM_001363528.2, NM_001370405.1, NM_021055.3); short protein forms V1199G, V1156G, V1155G, V1107G, V1166G, V1119G, V955G.
Identifiers: ClinVar variation 65119 (VCV000065119.7), dbSNP rs397515088, ClinGen allele CA019312.